The following is an entry in ClinVar:

ClinVar aggregate classification (germline): Uncertain significance (1 of 4 stars; one submission).

Conditions:
TP63-Related Spectrum Disorders.

Allele frequency attached by ClinVar (database versions not stated): gnomAD 0.00001; gnomAD exomes 0.00001 and 0.00004; TOPMed 0.00003; ExAC 0.00004; 1000 Genomes Project 30x 0.00016; 1000 Genomes Project 0.00020.
gnomAD v4.1: 23 of 1,613,828 alleles (0.0014%); highest among the groups gnomAD compares: East Asian, 0.016%; no homozygotes.

Submission:

Labcorp Genetics (formerly Invitae), Labcorp
Classification: Uncertain significance. Last evaluated: 2023-09-25. Review status: criteria provided, single submitter. Criteria: Invitae Variant Classification Sherloc (09022015). Collection method: clinical testing. Allele origin: germline.
Comment: An algorithm developed to predict the effect of missense changes on protein structure and function (PolyPhen-2) suggests that this variant¬†is likely to be tolerated. In summary, the available evidence is currently insufficient to determine the role of this variant in disease. Therefore, it has been classified as a Variant of Uncertain Significance. ClinVar contains an entry for this variant (Variation ID: 1495903). This variant has not been reported in the literature in individuals affected with TP63-related conditions. This variant is present in population databases (rs576449010, gnomAD 0.04%). This sequence change replaces proline, which is neutral and non-polar, with serine, which is neutral and polar, at codon 377 of the TP63 protein (p.Pro377Ser).

NM_003722.5(TP63):c.1129C>T (p.Pro377Ser)

Gene: TP63 (tumor protein p63; plus strand). Cytogenetic location: 3q28.
Variant type: single nucleotide variant.
Coding change: c.1129C>T on transcript NM_003722.5 (MANE Select); coding-DNA position 1129, C replaced by T.
Protein change: p.Pro377Ser; replaces proline 377 with serine.
Molecular consequence: missense variant. On other transcripts: intron variant (3).
Genome position (GRCh38, 1-based): chr3:189,868,716, C>T. VCF-style: chr3-189868716-C-T. GRCh37 (hg19) VCF-style: chr3-189586505-C-T.
Other names: c.1129C>T, p.Pro377Ser (NM_001114978.2, NM_001114979.2, NM_001329144.2); c.847C>T, p.Pro283Ser (NM_001114980.2, NM_001114981.2, NM_001114982.2 and 1 more transcripts); c.592C>T, p.Pro198Ser (NM_001329146.2); c.1123C>T, p.Pro375Ser (NM_001329964.2); c.1117+12C>T (NM_001329148.2); c.835+12C>T (NM_001329149.2); c.580+12C>T (NM_001329150.2); short protein forms P198S, P283S, P375S, P377S.
Identifiers: ClinVar variation 1495903 (VCV001495903.7), dbSNP rs576449010, ClinGen allele CA2752348.